The following is an entry in ClinVar:

NM_001365276.2(TNXB):c.5648del (p.His1883fs)

Gene: TNXB (tenascin XB; minus strand). Cytogenetic location: 6p21.33.
Variant type: Deletion.
Coding change: c.5648del on transcript NM_001365276.2 (MANE Select); coding-DNA position 5648, one base deleted (A; older notation c.5648delA).
Protein change: p.His1883fs; shifts the reading frame from histidine 1883.
Molecular consequence: frameshift variant.
Genome position (GRCh38, 1-based): chr6:32,069,076, T deleted on the plus strand (A on the coding strand, the reverse complement: TNXB is on the minus strand). VCF-style (leftmost placement, unchanged base first): chr6-32069075-GT-G. GRCh37 (hg19) VCF-style: chr6-32036852-GT-G.
Other names: c.6389del, p.His2130fs (NM_001428335.1); c.5648del, p.His1883fs (NM_019105.8); short protein forms H1883fs, H2130fs.
Identifiers: ClinVar variation 5015738 (VCV005015738.1).

ClinVar aggregate classification (germline): Pathogenic (1 of 4 stars; one submission).

Conditions:
Ehlers-Danlos syndrome due to tenascin-X deficiency (EDSCLL1). Also called: EDS DUE TO TNX DEFICIENCY; TNX DEFICIENCY; Ehlers-Danlos syndrome, classic-like, 1; EHLERS-DANLOS SYNDROME, CLASSIC-LIKE; TNXB-Related Classical-Like Ehlers-Danlos Syndrome. Identifiers: Orphanet 230839, MedGen C1848029, MONDO:0011670, OMIM 606408.

Submission:

Myriad Genetics, Inc.
Classification: Pathogenic for Ehlers-Danlos syndrome due to tenascin-X deficiency. Last evaluated: 2026-03-28. Review status: criteria provided, single submitter. Criteria: Myriad Autosomal Dominant, Autosomal Recessive and X-Linked Classification Criteria (2023). Collection method: clinical testing. Allele origin: unknown.
Comment: NM_019105.6(TNXB):c.5648delA(H1883Pfs*5) is expected to be pathogenic in the context of classical-like Ehlers-Danlos syndrome, TNXB-related. This variant is predicted to lead to an abnormal or absent protein product due to the creation of a premature termination codon in TNXB, a gene where loss-of-function variants are known to be pathogenic. Please note: this variant was assessed in the context of healthy population screening.